The following is an entry in ClinVar:

ClinVar aggregate classification (germline): Conflicting classifications of pathogenicity. Review status: criteria provided, conflicting classifications (1 of 4 stars). 2 submissions from 2 submitters: Uncertain significance (1); Likely benign (1). Last evaluated 2025-10-02.

Conditions:
Bethlem myopathy 1A. Also called: MYOPATHY, BENIGN CONGENITAL, WITH CONTRACTURES; Bethlem Muscular Dystrophy; Bethlem myopathy 1. Identifiers: Orphanet 610, MedGen CN029274, MONDO:0024530, OMIM 158810.

Allele frequency attached by ClinVar (database versions not stated): gnomAD 0.00002; ExAC 0.00004; TOPMed 0.00004; gnomAD exomes 0.00006.

Submissions (2):

Labcorp Genetics (formerly Invitae), Labcorp
Classification: Likely benign for Bethlem myopathy 1A. Last evaluated: 2025-10-02. Review status: criteria provided, single submitter. Criteria: Invitae Variant Classification Sherloc (09022015). Collection method: clinical testing. Allele origin: germline.

GeneDx
Classification: Uncertain significance. Last evaluated: 2019-04-19. Review status: criteria provided, single submitter. Criteria: GeneDx Variant Classification Process June 2021. Collection method: clinical testing. Allele origin: germline. Affected: yes.
Comment: Has not been previously published as pathogenic or benign to our knowledge; In-silico analysis, which includes splice predictors and evolutionary conservation, is inconclusive as to whether the variant alters gene splicing. In the absence of RNA/functional studies, the actual effect of this sequence change is unknown.

NM_001849.4(COL6A2):c.928-10T>A

Gene: COL6A2 (collagen type VI alpha 2 chain; plus strand). Cytogenetic location: 21q22.3.
Variant type: single nucleotide variant.
Coding change: c.928-10T>A on transcript NM_001849.4 (MANE Select); 10 bases into the intron before coding-DNA position 928, T replaced by A.
Molecular consequence: intron variant.
Genome position (GRCh38, 1-based): chr21:46,116,641, T>A. VCF-style: chr21-46116641-T-A. GRCh37 (hg19) VCF-style: chr21-47536555-T-A.
Other names: c.928-10T>A (NM_058175.3, NM_058174.3).
Identifiers: ClinVar variation 743595 (VCV000743595.12), dbSNP rs747608945, ClinGen allele CA10071555.